The following is an entry in ClinVar:

NM_000051.4(ATM):c.191T>G (p.Leu64Ter)

Gene: ATM (ATM serine/threonine kinase; plus strand). Cytogenetic location: 11q22.3.
Variant type: single nucleotide variant.
Coding change: c.191T>G on transcript NM_000051.4 (MANE Select); coding-DNA position 191, T replaced by G.
Protein change: p.Leu64Ter; replaces leucine 64 with a stop codon.
Molecular consequence: nonsense.
Genome position (GRCh38, 1-based): chr11:108,229,183, T>G. VCF-style: chr11-108229183-T-G. GRCh37 (hg19) VCF-style: chr11-108099910-T-G.
Other names: c.191T>G, p.Leu64Ter (NM_001351834.2, NM_001351835.2, NM_001351836.2); short protein forms L64*.
Identifiers: ClinVar variation 655796 (VCV000655796.6), dbSNP rs1591451354, ClinGen allele CA382521110.

ClinVar aggregate classification (germline): Pathogenic (1 of 4 stars; one submission).

Conditions:
Ataxia-telangiectasia syndrome (AT). Also called: ATAXIA-TELANGIECTASIA, FRESNO VARIANT; Ataxia-telangiectasia, complementation group D; Cerebello-oculocutaneous telangiectasia; Immunodeficiency with ataxia telangiectasia; Ataxia-telangiectasia; Ataxia telangiectasia (A-T). Identifiers: Orphanet 100, MedGen C0004135, MONDO:0008840, OMIM 208900.

Submission:

Labcorp Genetics (formerly Invitae), Labcorp
Classification: Pathogenic for Ataxia-telangiectasia syndrome. Last evaluated: 2018-10-09. Review status: criteria provided, single submitter. Criteria: Invitae Variant Classification Sherloc (09022015). Collection method: clinical testing. Allele origin: germline.
Comment: This sequence change creates a premature translational stop signal (p.Leu64*) in the ATM gene. It is expected to result in an absent or disrupted protein product. This variant is not present in population databases (ExAC no frequency). This variant has not been reported in the literature in individuals with ATM-related disease. Loss-of-function variants in ATM are known to be pathogenic (PMID: 23807571, 25614872). For these reasons, this variant has been classified as Pathogenic.

Literature cited by the submitters: PubMed 23807571; PubMed 25614872.